The following is an entry in ClinVar:

ClinVar aggregate classification (germline): Uncertain significance. Review status: criteria provided, single submitter (1 of 4 stars). 2 submissions from 2 submitters: Uncertain significance (1). 1 of the submissions does not count toward it. Last evaluated 2020-03-26.

Conditions:
COL4A6-related disorder. Also called: COL4A6-related condition.

Submissions (2):

Athena Diagnostics
Classification: Uncertain significance. Last evaluated: 2020-03-26. Review status: criteria provided, single submitter. Criteria: Athena Diagnostics Criteria. Collection method: clinical testing. Allele origin: unknown.

PreventionGenetics, part of Exact Sciences
Classification: Uncertain significance for COL4A6-related condition. Last evaluated: 2024-05-20. Review status: no assertion criteria provided. Collection method: clinical testing. Allele origin: germline. Not counted in ClinVar's aggregate classification.
Comment: The COL4A6 c.1308_1316dup9 variant is predicted to result in an in-frame duplication (p.Gly439_Pro441dup). To our knowledge, this variant has not been reported in the literature. This variant is reported in 0.0022% of alleles in individuals of European (Non-Finnish) descent in gnomAD, including one hemizygous individual. At this time, the clinical significance of this variant is uncertain due to the absence of conclusive functional and genetic evidence.

NM_033641.4(COL4A6):c.1305_1313dup (p.432GPP[4])

Gene: COL4A6 (collagen type IV alpha 6 chain; minus strand). Cytogenetic location: Xq22.3.
Variant type: Duplication.
Coding change: c.1305_1313dup on transcript NM_033641.4 (MANE Select); coding-DNA positions 1305 to 1313, 9 bases duplicated (TCCACCAGG; older notation c.1305_1313dupTCCACCAGG).
Protein change: p.432GPP[4].
Molecular consequence: inframe insertion.
Genome position (GRCh38, 1-based): chrX:108,191,401-108,191,409, CCTGGTGGA duplicated on the plus strand (TCCACCAGG on the coding strand, the reverse complement: COL4A6 is on the minus strand); duplicating any 9 consecutive bases within chrX:108,191,401-108,191,417 gives the same sequence; the c. name uses the placement nearest the transcript's 3' end. VCF-style (leftmost placement, unchanged base first): chrX-108191400-G-GCCTGGTGGA. GRCh37 (hg19) VCF-style: chrX-107434630-G-GCCTGGTGGA.
Other names: c.1305_1313dup, p.432GPP[4] (NM_001287758.2, NM_001287759.2, NM_001287760.2); c.1308_1316dup, p.433GPP[4] (NM_001847.4); c.1308_1316dup9 (NM_001847.3).
Identifiers: ClinVar variation 804593 (VCV000804593.3), dbSNP rs1050017866, ClinGen allele CA643635976.